The following is an entry in ClinVar:

ClinVar aggregate classification (germline): Pathogenic/Likely pathogenic. Review status: criteria provided, multiple submitters, no conflicts (2 of 4 stars). 2 submissions from 2 submitters: Pathogenic (1); Likely pathogenic (1). Last evaluated 2024-04-06.

Conditions:
Chédiak-Higashi syndrome (CHS). Also called: Chediak-Higashi Syndrome. Identifiers: Orphanet 167, MedGen C0007965, MONDO:0008963, OMIM 214500.

Allele frequency attached by ClinVar (database versions not stated): gnomAD exomes below 0.00001.
gnomAD v4.1: 3 of 1,613,762 alleles (0.00019%); highest among the groups gnomAD compares: Non-Finnish European, 0.00025%; no homozygotes.

Submissions (2):

Labcorp Genetics (formerly Invitae), Labcorp
Classification: Pathogenic for Chédiak-Higashi syndrome. Last evaluated: 2024-04-06. Review status: criteria provided, single submitter. Criteria: Invitae Variant Classification Sherloc (09022015). Collection method: clinical testing. Allele origin: germline.
Comment: This sequence change creates a premature translational stop signal (p.Leu3548*) in the LYST gene. It is expected to result in an absent or disrupted protein product. Loss-of-function variants in LYST are known to be pathogenic (PMID: 9215679, 11857544). This variant is not present in population databases (gnomAD no frequency). This variant has not been reported in the literature in individuals affected with LYST-related conditions. Algorithms developed to predict the effect of sequence changes on RNA splicing suggest that this variant may disrupt the consensus splice site. For these reasons, this variant has been classified as Pathogenic.

Baylor Genetics
Classification: Likely pathogenic for Chédiak-Higashi syndrome. Last evaluated: 2023-07-04. Review status: criteria provided, single submitter. Criteria: ACMG Guidelines, 2015. Collection method: clinical testing. Allele origin: unknown.

Literature cited by the submitters: PubMed 9215679 (cited by Labcorp Genetics (formerly Invitae), Labcorp); PubMed 11857544 (cited by Labcorp Genetics (formerly Invitae), Labcorp).

NM_000081.4(LYST):c.10643T>A (p.Leu3548Ter)

Gene: LYST (lysosomal trafficking regulator; minus strand). Cytogenetic location: 1q42.3.
Variant type: single nucleotide variant.
Coding change: c.10643T>A on transcript NM_000081.4 (MANE Select); coding-DNA position 10643, T replaced by A.
Protein change: p.Leu3548Ter; replaces leucine 3548 with a stop codon.
Molecular consequence: nonsense.
Genome position (GRCh38, 1-based): chr1:235,693,408, A>T on the plus strand (T>A on the coding strand, the complement: LYST is on the minus strand). VCF-style: chr1-235693408-A-T. GRCh37 (hg19) VCF-style: chr1-235856708-A-T.
Other names: c.10643T>A, p.Leu3548Ter (NM_001301365.1); short protein forms L3548*.
Identifiers: ClinVar variation 2676348 (VCV002676348.3), dbSNP rs2527258082, ClinGen allele CA344926375.